The following is an entry in ClinVar:

ClinVar aggregate classification (germline): Uncertain significance (1 of 4 stars; one submission).

Conditions:
Retinitis pigmentosa 20 (RP20). Identifiers: Orphanet 791, MedGen C3151086, MONDO:0013425, OMIM 613794.
Leber congenital amaurosis 2 (LCA2). Also called: AMAUROSIS CONGENITA OF LEBER II; Autosomal Recessive RPE65-Related Retinal Degeneration. Identifiers: Orphanet 65, MedGen C1859844, MONDO:0008765, OMIM 204100. Disease mechanism: loss of function.

Submission:

Labcorp Genetics (formerly Invitae), Labcorp
Classification: Uncertain significance for Leber congenital amaurosis 2; Retinitis pigmentosa 20. Last evaluated: 2022-01-11. Review status: criteria provided, single submitter. Criteria: Invitae Variant Classification Sherloc (09022015). Collection method: clinical testing. Allele origin: germline.
Comment: This sequence change replaces threonine, which is neutral and polar, with alanine, which is neutral and non-polar, at codon 86 of the RPE65 protein (p.Thr86Ala). In summary, the available evidence is currently insufficient to determine the role of this variant in disease. Therefore, it has been classified as a Variant of Uncertain Significance. Algorithms developed to predict the effect of missense changes on protein structure and function (SIFT, PolyPhen-2, Align-GVGD) all suggest that this variant is likely to be tolerated. This variant has not been reported in the literature in individuals affected with RPE65-related conditions. This variant is not present in population databases (gnomAD no frequency).

NM_000329.3(RPE65):c.256A>G (p.Thr86Ala)

Gene: RPE65 (retinoid isomerohydrolase RPE65; minus strand). Cytogenetic location: 1p31.3.
Variant type: single nucleotide variant.
Coding change: c.256A>G on transcript NM_000329.3 (MANE Select); coding-DNA position 256, A replaced by G.
Protein change: p.Thr86Ala; replaces threonine 86 with alanine.
Molecular consequence: missense variant.
Genome position (GRCh38, 1-based): chr1:68,444,873, T>C on the plus strand (A>G on the coding strand, the complement: RPE65 is on the minus strand). VCF-style: chr1-68444873-T-C. GRCh37 (hg19) VCF-style: chr1-68910556-T-C.
Other names: short protein forms T86A.
Identifiers: ClinVar variation 1409232 (VCV001409232.6), dbSNP rs2100828493, ClinGen allele CA340748555.